The following is an entry in ClinVar:

NM_001128840.3(CACNA1D):c.5774T>C (p.Phe1925Ser)

Gene: CACNA1D (calcium voltage-gated channel subunit alpha1 D; plus strand). Cytogenetic location: 3p21.1.
Variant type: single nucleotide variant.
Coding change: c.5774T>C on transcript NM_001128840.3 (MANE Select); coding-DNA position 5774, T replaced by C.
Protein change: p.Phe1925Ser; replaces phenylalanine 1925 with serine.
Molecular consequence: missense variant.
Genome position (GRCh38, 1-based): chr3:53,808,673, T>C. VCF-style: chr3-53808673-T-C. GRCh37 (hg19) VCF-style: chr3-53842700-T-C.
Other names: c.5834T>C, p.Phe1945Ser (NM_000720.4); c.5702T>C, p.Phe1901Ser (NM_001128839.3); c.5834T>C (NM_000720.3); short protein forms F1901S, F1945S, F1925S.
Identifiers: ClinVar variation 1935290 (VCV001935290.6), dbSNP rs1559727671, ClinGen allele CA353255915.

ClinVar aggregate classification (germline): Uncertain significance. Review status: criteria provided, single submitter (1 of 4 stars). 2 submissions from 2 submitters: Uncertain significance (1). 1 of the submissions does not count toward it. Last evaluated 2022-05-10.

Conditions:
CACNA1D-related disorder.

gnomAD v4.1: 1 of 1,609,208 alleles (0.000062%); no homozygotes.

Submissions (2):

Labcorp Genetics (formerly Invitae), Labcorp
Classification: Uncertain significance. Last evaluated: 2022-05-10. Review status: criteria provided, single submitter. Criteria: Invitae Variant Classification Sherloc (09022015). Collection method: clinical testing. Allele origin: germline.
Comment: This variant is not present in population databases (gnomAD no frequency). This sequence change replaces phenylalanine, which is neutral and non-polar, with serine, which is neutral and polar, at codon 1945 of the CACNA1D protein (p.Phe1945Ser). This variant has not been reported in the literature in individuals affected with CACNA1D-related conditions. Algorithms developed to predict the effect of missense changes on protein structure and function are either unavailable or do not agree on the potential impact of this missense change (SIFT: "Deleterious"; PolyPhen-2: "Probably Damaging"; Align-GVGD: "Class C0"). In summary, the available evidence is currently insufficient to determine the role of this variant in disease. Therefore, it has been classified as a Variant of Uncertain Significance.

PreventionGenetics, part of Exact Sciences
Classification: Uncertain significance for CACNA1D-related condition. Last evaluated: 2024-06-08. Review status: no assertion criteria provided. Collection method: clinical testing. Allele origin: germline. Not counted in ClinVar's aggregate classification.
Comment: The CACNA1D c.5834T>C variant is predicted to result in the amino acid substitution p.Phe1945Ser. To our knowledge, this variant has not been reported in the literature. This variant is reported in 0.0% of alleles in individuals of African descent in gnomAD. At this time, the clinical significance of this variant is uncertain due to the absence of conclusive functional and genetic evidence.